The following is an entry in ClinVar:

ClinVar aggregate classification (germline): Uncertain significance (1 of 4 stars; one submission).

Conditions:
PLXNA4-related disorder. Also called: PLXNA4-related condition.

gnomAD v4.1: 1 of 1,614,152 alleles (0.000062%); highest among the groups gnomAD compares: East Asian, 0.0022%; no homozygotes.

Submission:

PreventionGenetics, part of Exact Sciences
Classification: Uncertain significance for PLXNA4-related condition. Last evaluated: 2025-07-23. Review status: criteria provided, single submitter. Criteria: ACMG Guidelines, 2015. Collection method: clinical testing. Allele origin: germline.
Comment: The PLXNA4 c.1637A>G variant is predicted to result in the amino acid substitution p.Lys546Arg. To our knowledge, this variant has not been reported in the literature or in a large population database (gnomAD), indicating this variant is rare. At this time, the clinical significance of this variant is uncertain due to the absence of conclusive functional and genetic evidence.

NM_020911.2(PLXNA4):c.1637A>G (p.Lys546Arg)

Gene: PLXNA4 (plexin A4; minus strand). Cytogenetic location: 7q32.3.
Variant type: single nucleotide variant.
Coding change: c.1637A>G on transcript NM_020911.2 (MANE Select); coding-DNA position 1637, A replaced by G.
Protein change: p.Lys546Arg; replaces lysine 546 with arginine.
Molecular consequence: missense variant.
Genome position (GRCh38, 1-based): chr7:132,228,437, T>C on the plus strand (A>G on the coding strand, the complement: PLXNA4 is on the minus strand). VCF-style: chr7-132228437-T-C. GRCh37 (hg19) VCF-style: chr7-131913196-T-C.
Other names: c.1637A>G, p.Lys546Arg (NM_001393897.1); short protein forms K546R.
Identifiers: ClinVar variation 4983022 (VCV004983022.1).